The following is an entry in ClinVar:

NM_004006.3(DMD):c.836C>T (p.Thr279Met)

Gene: DMD (dystrophin; minus strand). Cytogenetic location: Xp21.1.
Variant type: single nucleotide variant.
Coding change: c.836C>T on transcript NM_004006.3 (MANE Select); coding-DNA position 836, C replaced by T.
Protein change: p.Thr279Met; replaces threonine 279 with methionine.
Molecular consequence: missense variant.
Genome position (GRCh38, 1-based): chrX:32,697,994, G>A on the plus strand (C>T on the coding strand, the complement: DMD is on the minus strand). VCF-style: chrX-32697994-G-A. GRCh37 (hg19) VCF-style: chrX-32716111-G-A.
Other names: c.812C>T, p.Thr271Met (NM_000109.4); c.824C>T, p.Thr275Met (NM_004009.3); c.467C>T, p.Thr156Met (NM_004010.3); short protein forms T271M, T279M, T156M, T275M.
Identifiers: ClinVar variation 839769 (VCV000839769.10), dbSNP rs369135184, ClinGen allele CA10380044.

ClinVar aggregate classification (germline): Uncertain significance. Review status: criteria provided, multiple submitters, no conflicts (2 of 4 stars). 4 submissions from 4 submitters: Uncertain significance (3). 1 of the submissions does not count toward it. Last evaluated 2024-11-16.

Conditions:
Duchenne muscular dystrophy (DMD). Also called: Duchenne Muscular Dystrophy (DMD); MUSCULAR DYSTROPHY, PSEUDOHYPERTROPHIC PROGRESSIVE, DUCHENNE TYPE. Identifiers: Orphanet 98896, MedGen C0013264, MONDO:0010679, OMIM 310200.
Becker muscular dystrophy (BMD). Also called: MUSCULAR DYSTROPHY, PSEUDOHYPERTROPHIC PROGRESSIVE, BECKER TYPE; Becker Muscular Dystrophy (BMD). Identifiers: Orphanet 98895, MedGen C0917713, MONDO:0010311, OMIM 300376.
Dilated cardiomyopathy 3B (CMD3B). Also called: CMD3B: DMD-Related Dilated Cardiomyopathy; CARDIOMYOPATHY, DILATED, X-LINKED; DMD-Associated Dilated Cardiomyopathy. Identifiers: Orphanet 154, MedGen C3668940, MONDO:0010542, OMIM 302045.
Dystrophin deficiency.
Cardiomyopathy (CMYO). Also called: Cardiomyopathies. Identifiers: Orphanet 167848, MedGen C0878544, MONDO:0004994, HP:0001638. Inheritance: Various modes of inheritance.
Cardiovascular phenotype. Identifiers: MedGen CN230736.

Allele frequency attached by ClinVar (database versions not stated): gnomAD exomes 0.00001; ExAC 0.00003; TOPMed 0.00006; ESP Exome Variant Server 0.00009.
gnomAD v4.1: 12 of 1,189,021 alleles (0.001%); highest among the groups gnomAD compares: Admixed American, 0.012%; no homozygotes.

Submissions (4):

Labcorp Genetics (formerly Invitae), Labcorp
Classification: Uncertain significance for Duchenne muscular dystrophy. Last evaluated: 2024-11-16. Review status: criteria provided, single submitter. Criteria: Invitae Variant Classification Sherloc (09022015). Collection method: clinical testing. Allele origin: germline.
Comment: This sequence change replaces threonine, which is neutral and polar, with methionine, which is neutral and non-polar, at codon 279 of the DMD protein (p.Thr279Met). The frequency data for this variant in the population databases is considered unreliable, as metrics indicate poor data quality at this position in the gnomAD database. This variant has not been reported in the literature in individuals affected with DMD-related conditions. ClinVar contains an entry for this variant (Variation ID: 839769). Invitae Evidence Modeling of protein sequence and biophysical properties (such as structural, functional, and spatial information, amino acid conservation, physicochemical variation, residue mobility, and thermodynamic stability) indicates that this missense variant is not expected to disrupt DMD protein function with a negative predictive value of 95%. In summary, the available evidence is currently insufficient to determine the role of this variant in disease. Therefore, it has been classified as a Variant of Uncertain Significance.

Fulgent Genetics
Classification: Uncertain significance for Becker muscular dystrophy; Dilated cardiomyopathy 3B; Duchenne muscular dystrophy. Last evaluated: 2021-09-18. Review status: criteria provided, single submitter. Criteria: ACMG Guidelines, 2015. Collection method: clinical testing. Allele origin: unknown.

Ambry Genetics
Classification: Uncertain significance for Cardiovascular phenotype. Last evaluated: 2020-05-05. Review status: criteria provided, single submitter. Criteria: Ambry Variant Classification Scheme 2023. Collection method: clinical testing. Allele origin: germline.
Comment: The p.T279M variant (also known as c.836C>T), located in coding exon 9 of the DMD gene, results from a C to T substitution at nucleotide position 836. The threonine at codon 279 is replaced by methionine, an amino acid with similar properties. A different variant affecting this codon (p.T279A, c.835A>G) has been detected in a family reported to have X-linked dilated cardiomyopathy (Ortiz-Lopez R et al. Circulation, 1997 May;95:2434-40). This amino acid position is highly conserved in available vertebrate species. In addition, the in silico prediction for this alteration is inconclusive. Since supporting evidence is limited at this time, the clinical significance of this alteration remains unclear.

Natera, Inc.
Classification: Uncertain significance for Becker muscular dystrophy; Cardiomyopathy; Duchenne muscular dystrophy; Dystrophin deficiency. Last evaluated: 2020-05-16. Review status: no assertion criteria provided. Collection method: clinical testing. Allele origin: germline. Not counted in ClinVar's aggregate classification.

Literature cited by the submitters: PubMed 9170407 (cited by Ambry Genetics).